The following is an entry in ClinVar:

NM_001267550.2(TTN):c.3408C>T (p.Thr1136=)

Gene: TTN (titin; minus strand). Cytogenetic location: 2q31.2.
Variant type: single nucleotide variant.
Coding change: c.3408C>T on transcript NM_001267550.2 (MANE Select); coding-DNA position 3408, C replaced by T.
Protein change: p.Thr1136=; no amino-acid change (threonine 1136 retained).
Molecular consequence: synonymous variant.
Genome position (GRCh38, 1-based): chr2:178,781,236, G>A on the plus strand (C>T on the coding strand, the complement: TTN is on the minus strand). VCF-style: chr2-178781236-G-A. GRCh37 (hg19) VCF-style: chr2-179645963-G-A.
Other names: c.3408C>T, p.Thr1136= (NM_001256850.1, NM_133378.4, NM_133379.5); c.3270C>T, p.Thr1090= (NM_003319.4, NM_133432.3, NM_133437.4).
Identifiers: ClinVar variation 699863 (VCV000699863.13), dbSNP rs759010767, ClinGen allele CA2005557.

ClinVar aggregate classification (germline): Likely benign. Review status: criteria provided, multiple submitters, no conflicts (2 of 4 stars). 4 submissions from 4 submitters: Likely benign (4). Last evaluated 2025-12-23.

Conditions:
TTN-related disorder. Also called: TTN-related condition; TTN-related disease; TTN-related disorders.
Cardiovascular phenotype. Identifiers: MedGen CN230736.
Autosomal recessive limb-girdle muscular dystrophy type 2J (LGMDR10). Also called: Limb-girdle muscular dystrophy, type 2J; MUSCULAR DYSTROPHY, LIMB-GIRDLE, AUTOSOMAL RECESSIVE 10. Identifiers: Orphanet 140922, MedGen C1837342, MONDO:0012127, OMIM 608807.
Dilated cardiomyopathy 1G (CMD1G). Identifiers: Orphanet 154, MedGen C1858763, MONDO:0011400, OMIM 604145.
Cardiomyopathy (CMYO). Also called: Cardiomyopathies. Identifiers: Orphanet 167848, MedGen C0878544, MONDO:0004994, HP:0001638. Inheritance: Various modes of inheritance.

Allele frequency attached by ClinVar (database versions not stated): ExAC 0.00001; gnomAD 0.00001; TOPMed 0.00002.
gnomAD v4.1: 26 of 1,613,862 alleles (0.0016%); highest among the groups gnomAD compares: South Asian, 0.0055%; no homozygotes.

Submissions (4):

PreventionGenetics, part of Exact Sciences
Classification: Likely benign for TTN-related condition. Last evaluated: 2025-12-23. Review status: criteria provided, single submitter. Criteria: ACMG Guidelines, 2015. Collection method: clinical testing. Allele origin: germline.
Comment: This variant is classified as likely benign based on ACMG/AMP sequence variant interpretation guidelines (Richards et al. 2015 PMID: 25741868, with internal and published modifications).

Labcorp Genetics (formerly Invitae), Labcorp
Classification: Likely benign for Dilated cardiomyopathy 1G; Autosomal recessive limb-girdle muscular dystrophy type 2J. Last evaluated: 2025-07-09. Review status: criteria provided, single submitter. Criteria: Invitae Variant Classification Sherloc (09022015). Collection method: clinical testing. Allele origin: germline.

CHEO Genetics Diagnostic Laboratory, Children's Hospital of Eastern Ontario
Classification: Likely benign for Cardiomyopathy. Last evaluated: 2022-02-18. Review status: criteria provided, single submitter. Criteria: ACMG Guidelines, 2015. Collection method: clinical testing. Allele origin: germline.

Ambry Genetics
Classification: Likely benign for Cardiovascular phenotype. Last evaluated: 2019-04-15. Review status: criteria provided, single submitter. Criteria: Ambry Variant Classification Scheme 2023. Collection method: clinical testing. Allele origin: germline.